The following is an entry in ClinVar:

ClinVar aggregate classification (germline): Uncertain significance (1 of 4 stars; one submission).

Submission:

Women's Health and Genetics/Laboratory Corporation of America, LabCorp
Classification: Uncertain significance. Last evaluated: 2026-02-27. Review status: criteria provided, single submitter. Criteria: LabCorp Variant Classification Summary - May 2015. Collection method: clinical testing. Allele origin: germline.
Comment: Variant summary: COL5A2 c.648delT (p.Pro217LeufsX82) results in a premature termination codon, predicted to cause a truncation of the encoded protein or absence of the protein due to nonsense mediated decay, however current evidence is not sufficient to establish loss of function as a mechanism for disease. The frequency data for this variant in gnomAD is considered unreliable, as metrics indicate poor data quality at this position. To our knowledge, no occurrence of c.648delT in individuals affected with COL5A2-related conditions and no experimental evidence demonstrating its impact on protein function have been reported. No submitters have cited clinical-significance assessments for this variant to ClinVar. Based on the evidence outlined above, the variant was classified as uncertain significance.

NM_000393.5(COL5A2):c.648del (p.Pro217fs)

Gene: COL5A2 (collagen type V alpha 2 chain; minus strand). Cytogenetic location: 2q32.2.
Variant type: Deletion.
Coding change: c.648del on transcript NM_000393.5 (MANE Select); coding-DNA position 648, one base deleted (T; older notation c.648delT).
Protein change: p.Pro217fs; shifts the reading frame from proline 217.
Molecular consequence: frameshift variant.
Genome position (GRCh38, 1-based): chr2:189,086,768, A deleted on the plus strand (T on the coding strand, the reverse complement: COL5A2 is on the minus strand). VCF-style (leftmost placement, unchanged base first): chr2-189086767-GA-G. GRCh37 (hg19) VCF-style: chr2-189951493-GA-G.
Other names: c.648delT (NM_000393.5); short protein forms P217fs.
Identifiers: ClinVar variation 4848126 (VCV004848126.1).